The following is an entry in ClinVar:

ClinVar aggregate classification (germline): Uncertain significance. Review status: criteria provided, multiple submitters, no conflicts (2 of 4 stars). 2 submissions from 2 submitters: Uncertain significance (2). Last evaluated 2026-03-27.

Conditions:
Cardiovascular phenotype. Identifiers: MedGen CN230736.

Allele frequency attached by ClinVar (database versions not stated): gnomAD exomes 0.00003; TOPMed below 0.00001; gnomAD 0.00001.
gnomAD v4.1: 17 of 1,610,756 alleles (0.0011%); highest among the groups gnomAD compares: Admixed American, 0.0017%; no homozygotes.

Submissions (2):

Molecular Diagnostic Laboratory for Inherited Cardiovascular Disease, Montreal Heart Institute
Classification: Uncertain significance for Cardiovascular phenotype. Last evaluated: 2026-03-27. Review status: criteria provided, single submitter. Criteria: ACMG Guidelines, 2015. Collection method: clinical testing. Allele origin: germline. Affected: yes.
Comment: PM1

Labcorp Genetics (formerly Invitae), Labcorp
Classification: Uncertain significance. Last evaluated: 2025-02-10. Review status: criteria provided, single submitter. Criteria: Invitae Variant Classification Sherloc (09022015). Collection method: clinical testing. Allele origin: germline.
Comment: This sequence change replaces tyrosine, which is neutral and polar, with cysteine, which is neutral and slightly polar, at codon 497 of the TNNI3K protein (p.Tyr497Cys). This variant is present in population databases (rs200117823, gnomAD 0.1%). This variant has not been reported in the literature in individuals affected with TNNI3K-related conditions. ClinVar contains an entry for this variant (Variation ID: 1381180). Invitae Evidence Modeling of protein sequence and biophysical properties (such as structural, functional, and spatial information, amino acid conservation, physicochemical variation, residue mobility, and thermodynamic stability) indicates that this missense variant is not expected to disrupt TNNI3K protein function with a negative predictive value of 80%. In summary, the available evidence is currently insufficient to determine the role of this variant in disease. Therefore, it has been classified as a Variant of Uncertain Significance.

NM_015978.3(TNNI3K):c.1490A>G (p.Tyr497Cys)

Genes: FPGT-TNNI3K (FPGT-TNNI3K readthrough; plus strand), TNNI3K (TNNI3 interacting kinase; plus strand). Cytogenetic location: 1p31.1.
Variant type: single nucleotide variant.
Coding change: c.1490A>G on transcript NM_015978.3 (MANE Select); coding-DNA position 1490, A replaced by G.
Protein change: p.Tyr497Cys; replaces tyrosine 497 with cysteine.
Molecular consequence: missense variant.
Genome position (GRCh38, 1-based): chr1:74,369,408, A>G. VCF-style: chr1-74369408-A-G. GRCh37 (hg19) VCF-style: chr1-74835092-A-G.
Other names: c.1793A>G, p.Tyr598Cys (NM_001112808.3, NM_001199327.2); c.1490A>G (NM_015978.2); short protein forms Y598C, Y497C.
Identifiers: ClinVar variation 1381180 (VCV001381180.7), dbSNP rs200117823, ClinGen allele CA24545070.
Genomic context (GRCh38, chr1:74,369,408, plus strand): 5'-ATCCATCTGTTTACTGAAGATTTTCTGTTGCTGCCATTTCCAGTTATCGAGCCAATACCT[A>G]CTGCTCCAAGTCAGATGTGGATATGTTTTGCCGAGAGGTGTCCATTCTCTGCCAGCTCAA-3'
Protein context (NP_057062.1, residues 487-507): VAIKRYRANT[Tyr497Cys]CSKSDVDMFC